The following is an entry in ClinVar:

NM_201384.3(PLEC):c.4297A>G (p.Ile1433Val)

Gene: PLEC (plectin; minus strand). Cytogenetic location: 8q24.3.
Variant type: single nucleotide variant.
Coding change: c.4297A>G on transcript NM_201384.3 (MANE Select); coding-DNA position 4297, A replaced by G.
Protein change: p.Ile1433Val; replaces isoleucine 1433 with valine.
Molecular consequence: missense variant.
Genome position (GRCh38, 1-based): chr8:143,925,632, T>C on the plus strand (A>G on the coding strand, the complement: PLEC is on the minus strand). VCF-style: chr8-143925632-T-C. GRCh37 (hg19) VCF-style: chr8-144999800-T-C.
Other names: c.4378A>G, p.Ile1460Val (NM_000445.5); c.4255A>G, p.Ile1419Val (NM_201378.4); c.4231A>G, p.Ile1411Val (NM_201379.3); c.4708A>G, p.Ile1570Val (NM_201380.4); c.4201A>G, p.Ile1401Val (NM_201381.3); c.4297A>G, p.Ile1433Val (NM_201382.4); c.4309A>G, p.Ile1437Val (NM_201383.3); short protein forms I1401V, I1411V, I1419V, I1433V, I1437V, I1460V, I1570V.
Identifiers: ClinVar variation 2434940 (VCV002434940.5), dbSNP rs782599875, ClinGen allele CA4926711.

ClinVar aggregate classification (germline): Uncertain significance. Review status: criteria provided, multiple submitters, no conflicts (2 of 4 stars). 2 submissions from 2 submitters: Uncertain significance (2). Last evaluated 2024-06-09.

Conditions:
Epidermolysis bullosa simplex 5B, with muscular dystrophy (EBS5B). Also called: EPIDERMOLYSIS BULLOSA SIMPLEX AND LIMB-GIRDLE MUSCULAR DYSTROPHY; Epidermolysis bullosa simplex with muscular dystrophy. Identifiers: Orphanet 257, MedGen C2931072, MONDO:0009181, OMIM 226670.
Epidermolysis bullosa simplex with nail dystrophy (EBS5D). Identifiers: MedGen C4225309, MONDO:0014661, OMIM 616487.
Epidermolysis bullosa simplex 5C, with pyloric atresia (EBS5C). Also called: PLEC-Related Epidermolysis Bullosa with Pyloric Atresia; Epidermolysis bullosa simplex with pyloric atresia; PLEC1-Related Epidermolysis Bullosa with Pyloric Atresia. Identifiers: Orphanet 158684, MedGen C2677349, MONDO:0012807, OMIM 612138.
Autosomal recessive limb-girdle muscular dystrophy type 2Q (LGMDR17). Also called: MUSCULAR DYSTROPHY, LIMB-GIRDLE, AUTOSOMAL RECESSIVE 17. Identifiers: Orphanet 254361, MedGen C3150989, MONDO:0013390, OMIM 613723.
Epidermolysis bullosa simplex, Ogna type (EBS5A). Also called: EPIDERMOLYSIS BULLOSA SIMPLEX 5A, OGNA TYPE; Pidermolysis bullosa simplex 5A, Ogna type. Identifiers: Orphanet 79401, MedGen C0432317, MONDO:0007555, OMIM 131950.

Allele frequency attached by ClinVar (database versions not stated): TOPMed 0.00001; gnomAD exomes 0.00003; ExAC 0.00004.
gnomAD v4.1: 37 of 1,583,334 alleles (0.0023%); highest among the groups gnomAD compares: Non-Finnish European, 0.0032%; no homozygotes.

Submissions (2):

Labcorp Genetics (formerly Invitae), Labcorp
Classification: Uncertain significance for Autosomal recessive limb-girdle muscular dystrophy type 2Q; Epidermolysis bullosa simplex, Ogna type; Epidermolysis bullosa simplex with nail dystrophy; Epidermolysis bullosa simplex 5C, with pyloric atresia; Epidermolysis bullosa simplex 5B, with muscular dystrophy. Last evaluated: 2024-06-09. Review status: criteria provided, single submitter. Criteria: Invitae Variant Classification Sherloc (09022015). Collection method: clinical testing. Allele origin: germline.
Comment: This sequence change replaces isoleucine, which is neutral and non-polar, with valine, which is neutral and non-polar, at codon 1460 of the PLEC protein (p.Ile1460Val). This variant is present in population databases (rs782599875, gnomAD 0.005%). This variant has not been reported in the literature in individuals affected with PLEC-related conditions. ClinVar contains an entry for this variant (Variation ID: 2434940). Advanced modeling of protein sequence and biophysical properties (such as structural, functional, and spatial information, amino acid conservation, physicochemical variation, residue mobility, and thermodynamic stability) has been performed at Invitae for this missense variant, however the output from this modeling did not meet the statistical confidence thresholds required to predict the impact of this variant on PLEC protein function. In summary, the available evidence is currently insufficient to determine the role of this variant in disease. Therefore, it has been classified as a Variant of Uncertain Significance.

Revvity Omics, Revvity
Classification: Uncertain significance. Last evaluated: 2021-04-06. Review status: criteria provided, single submitter. Criteria: ACMG Guidelines, 2015. Collection method: clinical testing. Allele origin: germline.